The following is an entry in ClinVar:

NM_002941.4(ROBO1):c.818T>C (p.Val273Ala)

Gene: ROBO1 (roundabout guidance receptor 1; minus strand). Cytogenetic location: 3p12.3.
Variant type: single nucleotide variant.
Coding change: c.818T>C on transcript NM_002941.4 (MANE Select); coding-DNA position 818, T replaced by C.
Protein change: p.Val273Ala; replaces valine 273 with alanine.
Molecular consequence: missense variant.
Genome position (GRCh38, 1-based): chr3:78,717,374, A>G on the plus strand (T>C on the coding strand, the complement: ROBO1 is on the minus strand). VCF-style: chr3-78717374-A-G. GRCh37 (hg19) VCF-style: chr3-78766524-A-G.
Other names: c.701T>C, p.Val234Ala (NM_001145845.2, NM_133631.4); short protein forms V234A, V273A.
Identifiers: ClinVar variation 996026 (VCV000996026.10), dbSNP rs80030397, ClinGen allele CA2499135.

ClinVar aggregate classification (germline): Conflicting classifications of pathogenicity. Review status: criteria provided, conflicting classifications (1 of 4 stars). 3 submissions from 3 submitters: Uncertain significance (2); Likely benign (1). Last evaluated 2025-05-27.

Conditions:
ROBO1-related disorder. Also called: ROBO1-related condition.
Congenital anomaly of kidney and urinary tract. Also called: Congenital anomalies of kidney and urinary tract; Congenital anomalies of the kidney and urinary tract. Identifiers: Orphanet 93545, MedGen C1968949, MeSH C566906, MONDO:0019719.

Allele frequency attached by ClinVar (database versions not stated): ExAC 0.00012; 1000 Genomes Project 30x 0.00016; ESP Exome Variant Server 0.00017; gnomAD exomes 0.00022 and 0.00044; TOPMed 0.00029; gnomAD 0.00033 and 0.00034.
gnomAD v4.1: 695 of 1,613,582 alleles (0.043%); highest among the groups gnomAD compares: Non-Finnish European, 0.056%; no homozygotes.

Submissions (3):

PreventionGenetics, part of Exact Sciences
Classification: Uncertain significance for ROBO1-related condition. Last evaluated: 2025-05-27. Review status: criteria provided, single submitter. Criteria: ACMG Guidelines, 2015. Collection method: clinical testing. Allele origin: germline.
Comment: The ROBO1 c.818T>C variant is predicted to result in the amino acid substitution p.Val273Ala. This variant was reported in an individual from a language impairment cohort (Chen et al. 2017. PubMed ID: 28440294) and in the compound heterozygous state in an individual with chronic kidney failure (Münch et al. 2022. PubMed ID: 35227688). This variant is reported in 0.041% of alleles in individuals of European (Non-Finnish) descent in gnomAD. At this time, the clinical significance of this variant is uncertain due to the absence of conclusive functional and genetic evidence.

Labcorp Genetics (formerly Invitae), Labcorp
Classification: Likely benign. Last evaluated: 2025-01-29. Review status: criteria provided, single submitter. Criteria: Invitae Variant Classification Sherloc (09022015). Collection method: clinical testing. Allele origin: germline.

Institute of Human Genetics, University of Leipzig Medical Center
Classification: Uncertain significance for Congenital anomaly of kidney and urinary tract. Last evaluated: 2021-01-09. Review status: criteria provided, single submitter. Criteria: ACMG Guidelines, 2015. Collection method: clinical testing. Allele origin: germline. Inheritance: Autosomal recessive inheritance. Affected: yes.